The following is an entry in ClinVar:

ClinVar aggregate classification (germline): Likely benign (0 of 4 stars; one submission).

Conditions:
PNPLA5-related disorder. Also called: PNPLA5-related condition.

Allele frequency attached by ClinVar (database versions not stated): ExAC 0.00035; 1000 Genomes Project 30x 0.00062; 1000 Genomes Project 0.00080; gnomAD 0.00116; TOPMed 0.00123; ESP Exome Variant Server 0.00131.

Submission:

PreventionGenetics, part of Exact Sciences
Classification: Likely benign for PNPLA5-related condition. Last evaluated: 2019-04-25. Review status: no assertion criteria provided. Collection method: clinical testing. Allele origin: germline.
Comment: This variant is classified as likely benign based on ACMG/AMP sequence variant interpretation guidelines (Richards et al. 2015 PMID: 25741868, with internal and published modifications).

NM_138814.4(PNPLA5):c.1083-5T>A

Gene: PNPLA5 (patatin like domain 5, triacylglycerol lipase; minus strand). Cytogenetic location: 22q13.31.
Variant type: single nucleotide variant.
Coding change: c.1083-5T>A on transcript NM_138814.4 (MANE Select); 5 bases into the intron before coding-DNA position 1083, T replaced by A.
Molecular consequence: intron variant.
Genome position (GRCh38, 1-based): chr22:43,881,679, A>T on the plus strand (T>A on the coding strand, the complement: PNPLA5 is on the minus strand). VCF-style: chr22-43881679-A-T. GRCh37 (hg19) VCF-style: chr22-44277559-A-T.
Other names: c.741-5T>A (NM_001177675.2); c.663-5T>A (NM_001371410.1).
Identifiers: ClinVar variation 3046235 (VCV003046235.2), dbSNP rs184396669, ClinGen allele CA10277387.